The following is an entry in ClinVar:

ClinVar aggregate classification (germline): Benign. Review status: criteria provided, multiple submitters, no conflicts (2 of 4 stars). 2 submissions from 2 submitters: Benign (2). Last evaluated 2018-06-16.

Allele frequency attached by ClinVar (database versions not stated): gnomAD exomes 0.00213; 1000 Genomes Project 0.01977; gnomAD 0.02117 and 0.02294; 1000 Genomes Project 30x 0.02139; TOPMed 0.02409.
gnomAD v4.1: 5,225 of 1,051,306 alleles (0.5%); highest among the groups gnomAD compares: African/African-American, 7.2%; 157 homozygotes.

Submissions (2):

GeneDx
Classification: Benign. Last evaluated: 2018-06-16. Review status: criteria provided, single submitter. Criteria: GeneDx Variant Classification (06012015). Collection method: clinical testing. Allele origin: germline. Affected: yes.
Comment: This variant is considered likely benign or benign based on one or more of the following criteria: it is a conservative change, it occurs at a poorly conserved position in the protein, it is predicted to be benign by multiple in silico algorithms, and/or has population frequency not consistent with disease.

Breakthrough Genomics
Classification: Benign. Review status: criteria provided, single submitter. Criteria: ACMG Guidelines, 2015. Collection method: not provided. Allele origin: germline. Inheritance: Autosomal recessive inheritance. Affected: yes.

NM_002633.3(PGM1):c.1144+74T>C

Gene: PGM1 (phosphoglucomutase 1; plus strand). Cytogenetic location: 1p31.3.
Variant type: single nucleotide variant.
Coding change: c.1144+74T>C on transcript NM_002633.3 (MANE Select); 74 bases into the intron after coding-DNA position 1144, T replaced by C.
Molecular consequence: intron variant.
Genome position (GRCh38, 1-based): chr1:63,638,874, T>C. VCF-style: chr1-63638874-T-C. GRCh37 (hg19) VCF-style: chr1-64104545-T-C.
Other names: c.553+74T>C (NM_001172819.2); c.1198+74T>C (NM_001172818.1).
Identifiers: ClinVar variation 675562 (VCV000675562.2), dbSNP rs79202871, ClinGen allele CA23826032.